The following is an entry in ClinVar:

ClinVar aggregate classification (germline): Conflicting classifications of pathogenicity. Review status: criteria provided, conflicting classifications (1 of 4 stars). 6 submissions from 6 submitters: Uncertain significance (1); Benign (1); Likely benign (4). Last evaluated 2025-04-09.

Conditions:
Inborn genetic diseases. Identifiers: MedGen C0950123, MeSH D030342.
Charcot-Marie-Tooth disease axonal type 2S. Also called: CHARCOT-MARIE-TOOTH NEUROPATHY, TYPE 2S; CHARCOT-MARIE-TOOTH DISEASE, AXONAL, AUTOSOMAL RECESSIVE, TYPE 2S. Identifiers: Orphanet 443073, MedGen C4015349, MONDO:0014511, OMIM 616155.
Autosomal recessive distal spinal muscular atrophy 1. Also called: HMN VI; NEURONOPATHY, SEVERE INFANTILE AXONAL, WITH RESPIRATORY FAILURE; SEVERE INFANTILE AXONAL NEUROPATHY WITH RESPIRATORY FAILURE; SPINAL MUSCULAR ATROPHY, DIAPHRAGMATIC; Spinal muscular atrophy with respiratory distress 1; NEURONOPATHY, DISTAL HEREDITARY MOTOR, HARDING TYPE VI. Identifiers: Orphanet 98920, MedGen C1858517, MONDO:0011436, OMIM 604320.

Allele frequency attached by ClinVar (database versions not stated): gnomAD exomes 0.00008 and 0.00026; ExAC 0.00034; 1000 Genomes Project 30x 0.00094; gnomAD 0.00098 and 0.00105; TOPMed 0.00105; 1000 Genomes Project 0.00120; ESP Exome Variant Server 0.00139.
gnomAD v4.1: 265 of 1,613,344 alleles (0.016%); highest among the groups gnomAD compares: African/African-American, 0.33%; no homozygotes.

Submissions (6):

Women's Health and Genetics/Laboratory Corporation of America, LabCorp
Classification: Likely benign. Last evaluated: 2025-04-09. Review status: criteria provided, single submitter. Criteria: LabCorp Variant Classification Summary - May 2015. Collection method: clinical testing. Allele origin: germline.

Labcorp Genetics (formerly Invitae), Labcorp
Classification: Benign for Autosomal recessive distal spinal muscular atrophy 1; Charcot-Marie-Tooth disease axonal type 2S. Last evaluated: 2024-12-09. Review status: criteria provided, single submitter. Criteria: Invitae Variant Classification Sherloc (09022015). Collection method: clinical testing. Allele origin: germline.

GeneDx
Classification: Likely benign. Last evaluated: 2021-06-03. Review status: criteria provided, single submitter. Criteria: GeneDx Variant Classification Process June 2021. Collection method: clinical testing. Allele origin: germline. Affected: yes.

Ambry Genetics
Classification: Likely benign for Inborn genetic diseases. Last evaluated: 2019-07-11. Review status: criteria provided, single submitter. Criteria: Ambry Variant Classification Scheme 2023. Collection method: clinical testing. Allele origin: germline.

Illumina Laboratory Services, Illumina
Classification: Likely benign for Autosomal recessive distal spinal muscular atrophy 1. Last evaluated: 2018-01-13. Review status: criteria provided, single submitter. Criteria: ICSL Variant Classification Criteria 13 December 2019. Collection method: clinical testing. Allele origin: germline.
Comment: This variant was observed in the ICSL laboratory as part of a predisposition screen in an ostensibly healthy population. It had not been previously curated by ICSL or reported in the Human Gene Mutation Database (HGMD: prior to June 1st, 2018), and was therefore a candidate for classification through an automated scoring system. Utilizing variant allele frequency, disease prevalence and penetrance estimates, and inheritance mode, an automated score was calculated to assess if this variant is too frequent to cause the disease. Based on the score and internal cut-off values, a variant classified as likely benign is not then subjected to further curation. The score for this variant resulted in a classification of likely benign for this disease.

Eurofins Ntd Llc (ga)
Classification: Uncertain significance. Last evaluated: 2017-08-08. Review status: criteria provided, single submitter. Criteria: EGL Classification Definitions 2015. Collection method: clinical testing. Allele origin: germline. Observed: 1 variant allele, 1 heterozygote.

NM_002180.3(IGHMBP2):c.2844G>A (p.Gly948=)

Gene: IGHMBP2 (immunoglobulin mu DNA binding protein 2; plus strand). Cytogenetic location: 11q13.3.
Variant type: single nucleotide variant.
Coding change: c.2844G>A on transcript NM_002180.3 (MANE Select); coding-DNA position 2844, G replaced by A.
Protein change: p.Gly948=; no amino-acid change (glycine 948 retained).
Molecular consequence: synonymous variant.
Genome position (GRCh38, 1-based): chr11:68,939,593, G>A. VCF-style: chr11-68939593-G-A. GRCh37 (hg19) VCF-style: chr11-68707061-G-A.
Identifiers: ClinVar variation 509006 (VCV000509006.26), dbSNP rs147918962, ClinGen allele CA6154038.
Genomic context (GRCh38, chr11:68,939,593, plus strand): 5'-GATCCATGGCTGCGGTGAGAGGGCTCGCGCCCATGCCCGGCAGAGAATCAGCCGGGAAGG[G>A]GTCCTCTATGCCGGCAGCGGGACCAAGAACGGATCCCTGGACCCAGCCAAGAGGGCCCAG-3'
Protein context (NP_002171.2, residues 938-958): AHARQRISRE[Gly948=]VLYAGSGTKN